The following is an entry in ClinVar:

ClinVar aggregate classification (germline): Uncertain significance (1 of 4 stars; one submission).

Submission:

Labcorp Genetics (formerly Invitae), Labcorp
Classification: Uncertain significance. Last evaluated: 2023-05-09. Review status: criteria provided, single submitter. Criteria: Invitae Variant Classification Sherloc (09022015). Collection method: clinical testing. Allele origin: germline.
Comment: This variant has not been reported in the literature in individuals affected with TEAD1-related conditions. In summary, the available evidence is currently insufficient to determine the role of this variant in disease. Therefore, it has been classified as a Variant of Uncertain Significance. Advanced modeling of protein sequence and biophysical properties (such as structural, functional, and spatial information, amino acid conservation, physicochemical variation, residue mobility, and thermodynamic stability) performed at Invitae indicates that this missense variant is not expected to disrupt TEAD1 protein function. This variant is not present in population databases (gnomAD no frequency). This sequence change replaces aspartic acid, which is acidic and polar, with glycine, which is neutral and non-polar, at codon 301 of the TEAD1 protein (p.Asp301Gly).

NM_021961.6(TEAD1):c.902A>G (p.Asp301Gly)

Gene: TEAD1 (TEA domain transcription factor 1; plus strand). Cytogenetic location: 11p15.3.
Variant type: single nucleotide variant.
Coding change: c.902A>G on transcript NM_021961.6 (MANE Select); coding-DNA position 902, A replaced by G.
Protein change: p.Asp301Gly; replaces aspartic acid 301 with glycine.
Molecular consequence: missense variant.
Genome position (GRCh38, 1-based): chr11:12,924,940, A>G. VCF-style: chr11-12924940-A-G. GRCh37 (hg19) VCF-style: chr11-12946487-A-G.
Other names: short protein forms D301G.
Identifiers: ClinVar variation 2860974 (VCV002860974.3), dbSNP rs1435133927, ClinGen allele CA379708186.